The following is an entry in ClinVar:

ClinVar aggregate classification (germline): Uncertain significance (1 of 4 stars; one submission).

Conditions:
Hereditary spastic paraplegia 11. Also called: Spastic paraplegia, mental retardation and thin corpus callosum; Nakamura Osame syndrome; Autosomal recessive hereditary spastic paraplegia, mental impairment, and thin corpus callosum; SPASTIC PARAPLEGIA, AUTOSOMAL RECESSIVE, COMPLICATED, WITH THIN CORPUS CALLOSUM; SPASTIC PARAPLEGIA, AUTOSOMAL RECESSIVE, WITH MENTAL IMPAIRMENT AND THIN CORPUS CALLOSUM; Spastic Paraplegia 11. Identifiers: Orphanet 2822, MedGen C1858479, MONDO:0011445, OMIM 604360.

Allele frequency attached by ClinVar (database versions not stated): gnomAD exomes below 0.00001; ExAC 0.00001.
gnomAD v4.1: 3 of 1,614,160 alleles (0.00019%); highest among the groups gnomAD compares: Admixed American, 0.0033%; no homozygotes.

Submission:

Labcorp Genetics (formerly Invitae), Labcorp
Classification: Uncertain significance for Hereditary spastic paraplegia 11. Last evaluated: 2022-04-07. Review status: criteria provided, single submitter. Criteria: Invitae Variant Classification Sherloc (09022015). Collection method: clinical testing. Allele origin: germline.
Comment: In summary, the available evidence is currently insufficient to determine the role of this variant in disease. Therefore, it has been classified as a Variant of Uncertain Significance. Algorithms developed to predict the effect of missense changes on protein structure and function output the following: SIFT: "Tolerated"; PolyPhen-2: "Benign"; Align-GVGD: "Class C0". The arginine amino acid residue is found in multiple mammalian species, which suggests that this missense change does not adversely affect protein function. ClinVar contains an entry for this variant (Variation ID: 843806). This variant has not been reported in the literature in individuals affected with SPG11-related conditions. This variant is present in population databases (rs766552088, gnomAD 0.003%). This sequence change replaces lysine, which is basic and polar, with arginine, which is basic and polar, at codon 2438 of the SPG11 protein (p.Lys2438Arg).

NM_025137.4(SPG11):c.7313A>G (p.Lys2438Arg)

Gene: SPG11 (SPG11 vesicle trafficking associated, spatacsin; minus strand). Cytogenetic location: 15q21.1.
Variant type: single nucleotide variant.
Coding change: c.7313A>G on transcript NM_025137.4 (MANE Select); coding-DNA position 7313, A replaced by G.
Protein change: p.Lys2438Arg; replaces lysine 2438 with arginine.
Molecular consequence: missense variant.
Genome position (GRCh38, 1-based): chr15:44,563,140, T>C on the plus strand (A>G on the coding strand, the complement: SPG11 is on the minus strand). VCF-style: chr15-44563140-T-C. GRCh37 (hg19) VCF-style: chr15-44855338-T-C.
Other names: c.6974A>G, p.Lys2325Arg (NM_001160227.2); short protein forms K2325R, K2438R.
Identifiers: ClinVar variation 843806 (VCV000843806.9), dbSNP rs766552088, ClinGen allele CA7533824.